The following is an entry in ClinVar:

NM_001365999.1(SZT2):c.140C>G (p.Pro47Arg)

Gene: SZT2 (SZT2 subunit of KICSTOR complex; plus strand). Cytogenetic location: 1p34.2.
Variant type: single nucleotide variant.
Coding change: c.140C>G on transcript NM_001365999.1 (MANE Select); coding-DNA position 140, C replaced by G.
Protein change: p.Pro47Arg; replaces proline 47 with arginine.
Molecular consequence: missense variant.
Genome position (GRCh38, 1-based): chr1:43,403,289, C>G. VCF-style: chr1-43403289-C-G. GRCh37 (hg19) VCF-style: chr1-43868960-C-G.
Other names: c.140C>G, p.Pro47Arg (NM_015284.4); short protein forms P47R.
Identifiers: ClinVar variation 1311408 (VCV001311408.2), dbSNP rs2153929612, ClinGen allele CA339995308.

ClinVar aggregate classification (germline): Uncertain significance (1 of 4 stars; one submission).

Submission:

GeneDx
Classification: Uncertain significance. Last evaluated: 2019-12-27. Review status: criteria provided, single submitter. Criteria: GeneDx Variant Classification Process June 2021. Collection method: clinical testing. Allele origin: germline. Affected: yes.
Comment: Not observed in large population cohorts (Lek et al., 2016); In silico analysis, which includes protein predictors and evolutionary conservation, supports that this variant does not alter protein structure/function; Has not been previously published as pathogenic or benign to our knowledge